The following is an entry in ClinVar:

NM_000038.6(APC):c.1583C>A (p.Ala528Glu)

Gene: APC (APC regulator of Wnt signaling pathway; plus strand). Cytogenetic location: 5q22.2.
Variant type: single nucleotide variant.
Coding change: c.1583C>A on transcript NM_000038.6 (MANE Select); coding-DNA position 1583, C replaced by A.
Protein change: p.Ala528Glu; replaces alanine 528 with glutamic acid.
Molecular consequence: missense variant.
Genome position (GRCh38, 1-based): chr5:112,827,963, C>A. VCF-style: chr5-112827963-C-A. GRCh37 (hg19) VCF-style: chr5-112163660-C-A.
Other names: c.1583C>A, p.Ala528Glu (NM_001127510.3, NM_001354895.2, NM_001407450.1); c.1529C>A, p.Ala510Glu (NM_001127511.3); c.1637C>A, p.Ala546Glu (NM_001354896.2, NM_001407447.1, NM_001407448.1 and 1 more transcripts); c.1613C>A, p.Ala538Glu (NM_001354897.2); c.1508C>A, p.Ala503Glu (NM_001354898.2); c.1499C>A, p.Ala500Glu (NM_001354899.2); c.1460C>A, p.Ala487Glu (NM_001354900.2); c.1406C>A, p.Ala469Glu (NM_001354901.2, NM_001407453.1); and 11 more; short protein forms A144E, A445E, A500E, A528E, A538E, A245E, A402E, A503E.
Identifiers: ClinVar variation 2698477 (VCV002698477.3), dbSNP rs1763875692, ClinGen allele CA16024766.

ClinVar aggregate classification (germline): Uncertain significance (1 of 4 stars; one submission).

Conditions:
Familial adenomatous polyposis 1 (FAP1). Also called: FAMILIAL ADENOMATOUS POLYPOSIS 1, ATTENUATED; POLYPOSIS, ADENOMATOUS INTESTINAL. Identifiers: MedGen C2713442, MONDO:0021056, OMIM 175100. Disease mechanism: loss of function.

Submission:

Labcorp Genetics (formerly Invitae), Labcorp
Classification: Uncertain significance for Familial adenomatous polyposis 1. Last evaluated: 2023-11-24. Review status: criteria provided, single submitter. Criteria: Invitae Variant Classification Sherloc (09022015). Collection method: clinical testing. Allele origin: germline.
Comment: This sequence change replaces alanine, which is neutral and non-polar, with glutamic acid, which is acidic and polar, at codon 528 of the APC protein (p.Ala528Glu). This variant is not present in population databases (gnomAD no frequency). This variant has not been reported in the literature in individuals affected with APC-related conditions. Advanced modeling of protein sequence and biophysical properties (such as structural, functional, and spatial information, amino acid conservation, physicochemical variation, residue mobility, and thermodynamic stability) performed at Invitae indicates that this missense variant is not expected to disrupt APC protein function with a negative predictive value of 95%. In summary, the available evidence is currently insufficient to determine the role of this variant in disease. Therefore, it has been classified as a Variant of Uncertain Significance.